The following is an entry in ClinVar:

NM_001378609.3(OTOGL):c.4013C>T (p.Ser1338Phe)

Gene: OTOGL (otogelin like; plus strand). Cytogenetic location: 12q21.31.
Variant type: single nucleotide variant.
Coding change: c.4013C>T on transcript NM_001378609.3 (MANE Select); coding-DNA position 4013, C replaced by T.
Protein change: p.Ser1338Phe; replaces serine 1338 with phenylalanine.
Molecular consequence: missense variant.
Genome position (GRCh38, 1-based): chr12:80,320,632, C>T. VCF-style: chr12-80320632-C-T. GRCh37 (hg19) VCF-style: chr12-80714412-C-T.
Other names: c.3878C>T, p.Ser1293Phe (NM_001368062.3); c.4013C>T, p.Ser1338Phe (NM_001378610.3, NM_173591.7); short protein forms S1293F, S1338F.
Identifiers: ClinVar variation 5002302 (VCV005002302.1).

ClinVar aggregate classification (germline): Uncertain significance (1 of 4 stars; one submission).

Conditions:
OTOGL-related disorder. Also called: OTOGL-related condition.

Submission:

PreventionGenetics, part of Exact Sciences
Classification: Uncertain significance for OTOGL-related condition. Last evaluated: 2025-06-05. Review status: criteria provided, single submitter. Criteria: ACMG Guidelines, 2015. Collection method: clinical testing. Allele origin: germline.
Comment: The OTOGL c.3986C>T variant is predicted to result in the amino acid substitution p.Ser1329Phe. To our knowledge, this variant has not been reported in the literature or in a large population database (gnomAD), indicating this variant is rare. At this time, the clinical significance of this variant is uncertain due to the absence of conclusive functional and genetic evidence.